The following is an entry in ClinVar:

ClinVar aggregate classification (germline): Uncertain significance (1 of 4 stars; one submission).

Conditions:
Hereditary cancer-predisposing syndrome. Also called: Hereditary Cancer Syndrome; Hereditary neoplastic syndrome; Tumor predisposition; Neoplastic Syndromes, Hereditary. Identifiers: Orphanet 140162, MedGen C0027672, MeSH D009386, MONDO:0015356.

Submission:

Ambry Genetics
Classification: Uncertain significance for Hereditary cancer-predisposing syndrome. Last evaluated: 2024-12-09. Review status: criteria provided, single submitter. Criteria: Ambry Variant Classification Scheme 2023. Collection method: clinical testing. Allele origin: germline.
Comment: The c.705dupT variant, located in coding exon 2 of the HOXB13 gene, results from a duplication of T at nucleotide position 705, causing a translational frameshift with a predicted alternate stop codon (p.A236Cfs*3). This alteration is expected to result in protein truncation or nonsense-mediated mRNA decay. However, loss of function of HOXB13 has not been established as a mechanism of disease. Based on the available evidence, the clinical significance of this alteration remains unclear.

NM_006361.6(HOXB13):c.705dup (p.Ala236fs)

Gene: HOXB13 (homeobox B13; minus strand). Cytogenetic location: 17q21.32.
Variant type: Duplication.
Coding change: c.705dup on transcript NM_006361.6 (MANE Select); coding-DNA position 705, one base duplicated (T; older notation c.705dupT).
Protein change: p.Ala236fs; shifts the reading frame from alanine 236.
Molecular consequence: frameshift variant.
Genome position (GRCh38, 1-based): chr17:48,726,940, A duplicated on the plus strand (T on the coding strand, the reverse complement: HOXB13 is on the minus strand). VCF-style (leftmost placement, unchanged base first): chr17-48726939-C-CA. GRCh37 (hg19) VCF-style: chr17-46804301-C-CA.
Other names: c.705dupT (NM_006361.5); short protein forms A236fs.
Identifiers: ClinVar variation 3526305 (VCV003526305.1).